The following is an entry in ClinVar:

ClinVar aggregate classification (germline): Uncertain significance (1 of 4 stars; one submission).

Conditions:
Epilepsy, progressive myoclonic, 1B. Also called: PME. Identifiers: Orphanet 308, MedGen C2676254, MONDO:0012904, OMIM 612437.

Allele frequency attached by ClinVar (database versions not stated): gnomAD below 0.00001 and 0.00004; gnomAD exomes 0.00004 and 0.00007; ExAC 0.00007; 1000 Genomes Project 0.00040; 1000 Genomes Project 30x 0.00047.
gnomAD v4.1: 60 of 1,614,032 alleles (0.0037%); highest among the groups gnomAD compares: South Asian, 0.064%; 1 homozygote.

Submission:

Labcorp Genetics (formerly Invitae), Labcorp
Classification: Uncertain significance for Epilepsy, progressive myoclonic, 1B. Last evaluated: 2022-01-15. Review status: criteria provided, single submitter. Criteria: Invitae Variant Classification Sherloc (09022015). Collection method: clinical testing. Allele origin: germline.
Comment: In summary, the available evidence is currently insufficient to determine the role of this variant in disease. Therefore, it has been classified as a Variant of Uncertain Significance. Algorithms developed to predict the effect of missense changes on protein structure and function (SIFT, PolyPhen-2, Align-GVGD) all suggest that this variant is likely to be disruptive. ClinVar contains an entry for this variant (Variation ID: 1010504). This variant has not been reported in the literature in individuals affected with PRICKLE1-related conditions. This variant is present in population databases (rs542029566, gnomAD 0.06%). This sequence change replaces isoleucine, which is neutral and non-polar, with threonine, which is neutral and polar, at codon 197 of the PRICKLE1 protein (p.Ile197Thr).

NM_153026.3(PRICKLE1):c.590T>C (p.Ile197Thr)

Gene: PRICKLE1 (prickle planar cell polarity protein 1; minus strand). Cytogenetic location: 12q12.
Variant type: single nucleotide variant.
Coding change: c.590T>C on transcript NM_153026.3 (MANE Select); coding-DNA position 590, T replaced by C.
Protein change: p.Ile197Thr; replaces isoleucine 197 with threonine.
Molecular consequence: missense variant.
Genome position (GRCh38, 1-based): chr12:42,466,379, A>G on the plus strand (T>C on the coding strand, the complement: PRICKLE1 is on the minus strand). VCF-style: chr12-42466379-A-G. GRCh37 (hg19) VCF-style: chr12-42860181-A-G.
Other names: c.590T>C, p.Ile197Thr (NM_001144881.2, NM_001144882.2, NM_001144883.2); short protein forms I197T.
Identifiers: ClinVar variation 1010504 (VCV001010504.8), dbSNP rs542029566, ClinGen allele CA6519873.
Genomic context (GRCh38, chr12:42,466,379, plus strand): 5'-CAGAAGTGTTTCATGTGCCAATGGCGACCCTCAGCTTCTGTGCACTCATCAGCAAAAATT[A>G]TCTTCAAAAAGAAATGTGAAACCAGAGAATGAAAGAAAATCATTAGGAACTATTTTAAAG-3'
Protein context (NP_694571.2, residues 187-207): LKPRCSACDE[Ile197Thr]IFADECTEAE